The following is an entry in ClinVar:

NM_032603.5(LOXL3):c.394A>G (p.Ser132Gly)

Genes: DOK1 (docking protein 1; plus strand), LOXL3 (lysyl oxidase like 3; minus strand). Cytogenetic location: 2p13.1.
Variant type: single nucleotide variant.
Coding change: c.394A>G on transcript NM_032603.5 (MANE Select); coding-DNA position 394, A replaced by G.
Protein change: p.Ser132Gly; replaces serine 132 with glycine.
Molecular consequence: missense variant. On other transcripts: intron variant (1).
Genome position (GRCh38, 1-based): chr2:74,550,268, T>C on the plus strand (A>G on the coding strand, the complement: LOXL3 is on the minus strand). VCF-style: chr2-74550268-T-C. GRCh37 (hg19) VCF-style: chr2-74777395-T-C.
Other names: c.394A>G, p.Ser132Gly (NM_001289164.3); c.-358+1096T>C (NM_001197260.2); short protein forms S132G.
Identifiers: ClinVar variation 1511250 (VCV001511250.6), dbSNP rs376265928, ClinGen allele CA1729196.

ClinVar aggregate classification (germline): Uncertain significance. Review status: criteria provided, multiple submitters, no conflicts (2 of 4 stars). 2 submissions from 2 submitters: Uncertain significance (2). Last evaluated 2025-05-25.

Allele frequency attached by ClinVar (database versions not stated): gnomAD exomes 0.00002 and 0.00006; TOPMed 0.00003; gnomAD 0.00004; ESP Exome Variant Server 0.00015; ExAC 0.00002.
gnomAD v4.1: 94 of 1,614,054 alleles (0.0058%); highest among the groups gnomAD compares: Non-Finnish European, 0.0076%; no homozygotes.

Submissions (2):

Ambry Genetics
Classification: Uncertain significance. Last evaluated: 2025-05-25. Review status: criteria provided, single submitter. Criteria: Ambry Variant Classification Scheme 2023. Collection method: clinical testing. Allele origin: germline.

Labcorp Genetics (formerly Invitae), Labcorp
Classification: Uncertain significance. Last evaluated: 2022-10-24. Review status: criteria provided, single submitter. Criteria: Invitae Variant Classification Sherloc (09022015). Collection method: clinical testing. Allele origin: germline.
Comment: In summary, the available evidence is currently insufficient to determine the role of this variant in disease. Therefore, it has been classified as a Variant of Uncertain Significance. Algorithms developed to predict the effect of missense changes on protein structure and function (SIFT, PolyPhen-2, Align-GVGD) all suggest that this variant is likely to be disruptive. ClinVar contains an entry for this variant (Variation ID: 1511250). This variant has not been reported in the literature in individuals affected with LOXL3-related conditions. This variant is present in population databases (rs376265928, gnomAD 0.004%). This sequence change replaces serine, which is neutral and polar, with glycine, which is neutral and non-polar, at codon 132 of the LOXL3 protein (p.Ser132Gly).